The following is an entry in ClinVar:

NM_000368.5(TSC1):c.257G>A (p.Arg86His)

Gene: TSC1 (TSC complex subunit 1; minus strand). Cytogenetic location: 9q34.13.
Variant type: single nucleotide variant.
Coding change: c.257G>A on transcript NM_000368.5 (MANE Select); coding-DNA position 257, G replaced by A.
Protein change: p.Arg86His; replaces arginine 86 with histidine.
Molecular consequence: missense variant. On other transcripts: 5 prime UTR variant (1), intron variant (1).
Genome position (GRCh38, 1-based): chr9:132,925,693, C>T on the plus strand (G>A on the coding strand, the complement: TSC1 is on the minus strand). VCF-style: chr9-132925693-C-T. GRCh37 (hg19) VCF-style: chr9-135801080-C-T.
Other names: c.257G>A (NM_000368.4); c.257G>A, p.Arg86His (NM_001162426.2); c.-107G>A (NM_001362177.2); c.210+1508G>A (NM_001162427.2); short protein forms R86H.
Identifiers: ClinVar variation 1040604 (VCV001040604.24), dbSNP rs1846818019, ClinGen allele CA375374690.

ClinVar aggregate classification (germline): Uncertain significance. Review status: criteria provided, multiple submitters, no conflicts (2 of 4 stars). 4 submissions from 4 submitters: Uncertain significance (4). Last evaluated 2026-08-10.

Conditions:
Tuberous sclerosis 1 (TSC1). Identifiers: Orphanet 805, MedGen C1854465, MONDO:0008612, OMIM 191100.
Hereditary cancer-predisposing syndrome. Also called: Tumor predisposition; Hereditary neoplastic syndrome; Neoplastic Syndromes, Hereditary; Hereditary Cancer Syndrome. Identifiers: Orphanet 140162, MedGen C0027672, MeSH D009386, MONDO:0015356.

Allele frequency attached by ClinVar (database versions not stated): gnomAD exomes below 0.00001.
gnomAD v4.1: 1 of 1,614,194 alleles (0.000062%); highest among the groups gnomAD compares: South Asian, 0.0011%; no homozygotes.

Submissions (4):

Ambry Genetics
Classification: Uncertain significance for Hereditary cancer-predisposing syndrome. Last evaluated: 2026-08-10. Review status: criteria provided, single submitter. Criteria: Ambry Variant Classification Scheme 2023. Collection method: clinical testing. Allele origin: germline.
Comment: The p.R86H variant (also known as c.257G>A), located in coding exon 3 of the TSC1 gene, results from a G to A substitution at nucleotide position 257. The arginine at codon 86 is replaced by histidine, an amino acid with highly similar properties. This amino acid position is well conserved in available vertebrate species. In addition, this alteration is predicted to be deleterious by in silico analysis. Since supporting evidence is limited at this time, the clinical significance of this alteration remains unclear.

GeneDx
Classification: Uncertain significance. Last evaluated: 2026-07-28. Review status: criteria provided, single submitter. Criteria: GeneDx Variant Classification Process June 2021. Collection method: clinical testing. Allele origin: germline.
Comment: Not observed at significant frequency in large population cohorts (gnomAD); In silico analysis supports that this missense variant has a deleterious effect on protein structure/function; Has not been previously published as pathogenic or benign to our knowledge

Labcorp Genetics (formerly Invitae), Labcorp
Classification: Uncertain significance for Tuberous sclerosis 1. Last evaluated: 2025-06-02. Review status: criteria provided, single submitter. Criteria: Invitae Variant Classification Sherloc (09022015). Collection method: clinical testing. Allele origin: germline.
Comment: This sequence change replaces arginine, which is basic and polar, with histidine, which is basic and polar, at codon 86 of the TSC1 protein (p.Arg86His). This variant is not present in population databases (gnomAD no frequency). This variant has not been reported in the literature in individuals affected with TSC1-related conditions. ClinVar contains an entry for this variant (Variation ID: 1040604). Invitae Evidence Modeling of protein sequence and biophysical properties (such as structural, functional, and spatial information, amino acid conservation, physicochemical variation, residue mobility, and thermodynamic stability) indicates that this missense variant is expected to disrupt TSC1 protein function with a positive predictive value of 80%. In summary, the available evidence is currently insufficient to determine the role of this variant in disease. Therefore, it has been classified as a Variant of Uncertain Significance.

CeGaT Center for Human Genetics Tuebingen
Classification: Uncertain significance. Last evaluated: 2025-05-01. Review status: criteria provided, single submitter. Criteria: CeGaT Center For Human Genetics Tuebingen Variant Classification Criteria Version 2. Collection method: clinical testing. Allele origin: germline. Affected: yes. Observed: 1 variant allele.
Comment: TSC1: PM2, PP2